The following is an entry in ClinVar:

ClinVar aggregate classification (germline): Likely pathogenic (1 of 4 stars; one submission).

Conditions:
Intellectual developmental disorder with speech delay, autism, and dysmorphic facies. Identifiers: MedGen C5231456, MONDO:0032864, OMIM 618672.

Submission:

Cytogenetique et Genetique Moleculaire, CHU Besancon
Classification: Likely pathogenic for Intellectual developmental disorder with speech delay, autism, and dysmorphic facies. Last evaluated: 2023-08-13. Review status: criteria provided, single submitter. Criteria: ACMG Guidelines, 2015. Collection method: clinical testing. Allele origin: germline. Affected: yes.
Comment: The NM_014516.4:c.439G>A variant is a missense variant in CNOT3 for which computational prediction tools unanimously support a deleterious effect on the gene (PP3). CNOT3 is a gene with low rate of benign missense mutations and for which missense mutation is a common mechanism of a disease (Missense Z-score =3,78) (PP2). This variant is not present in gnomAD (PM2; v4.1.0). In summary, this variant meets criteria to be classified as likely pathogenic for CNOT3-related neurodevelopmental disorders based on the ACMG/AMP criteria applied (PM2 PM6 PP2 PP3).

NM_014516.4(CNOT3):c.439G>A (p.Glu147Lys)

Gene: CNOT3 (CCR4-NOT transcription complex subunit 3; plus strand). Cytogenetic location: 19q13.42.
Variant type: single nucleotide variant.
Coding change: c.439G>A on transcript NM_014516.4 (MANE Select); coding-DNA position 439, G replaced by A.
Protein change: p.Glu147Lys; replaces glutamic acid 147 with lysine.
Molecular consequence: missense variant.
Genome position (GRCh38, 1-based): chr19:54,144,288, G>A. VCF-style: chr19-54144288-G-A. GRCh37 (hg19) VCF-style: chr19-54648024-G-A.
Other names: short protein forms E147K.
Identifiers: ClinVar variation 3600324 (VCV003600324.1).